The following is an entry in ClinVar:

NM_000275.3(OCA2):c.1298C>T (p.Ala433Val)

Gene: OCA2 (OCA2 melanosomal transmembrane protein; minus strand). Cytogenetic location: 15q13.1.
Variant type: single nucleotide variant.
Coding change: c.1298C>T on transcript NM_000275.3 (MANE Select); coding-DNA position 1298, C replaced by T.
Protein change: p.Ala433Val; replaces alanine 433 with valine.
Molecular consequence: missense variant.
Genome position (GRCh38, 1-based): chr15:27,985,130, G>A on the plus strand (C>T on the coding strand, the complement: OCA2 is on the minus strand). VCF-style: chr15-27985130-G-A. GRCh37 (hg19) VCF-style: chr15-28230276-G-A.
Other names: c.1298C>T (NM_000275.2); c.1226C>T, p.Ala409Val (NM_001300984.2); short protein forms A433V, A409V.
Identifiers: ClinVar variation 1369403 (VCV001369403.7), dbSNP rs780239785, ClinGen allele CA7439089.
Genomic context (GRCh38, chr15:27,985,130, plus strand): 5'-GTCACAGGCGTGAAGAGGAGCATGGTGGTGACGTTGTCCAAGAAGGCAGAGAGGACGGCC[G>A]CGATGAGACAGAGCATGATGATCATGGCCCACACCCGTCCCCGGGAGAGCCGGTATGCCT-3'
Protein context (NP_000266.2, residues 423-443): WAMIIMLCLI[Ala433Val]AVLSAFLDNV

ClinVar aggregate classification (germline): Uncertain significance. Review status: criteria provided, multiple submitters, no conflicts (2 of 4 stars). 2 submissions from 2 submitters: Uncertain significance (2). Last evaluated 2023-03-01.

Conditions:
Inborn genetic diseases. Identifiers: MedGen C0950123, MeSH D030342.
Tyrosinase-positive oculocutaneous albinism (OCA2). Also called: Albinism, oculocutaneous, type II; ALBINISM II; Oculocutaneous albinism type 2. Identifiers: Orphanet 79432, MedGen C0268495, MONDO:0008746, OMIM 203200.

Allele frequency attached by ClinVar (database versions not stated): gnomAD exomes 0.00002; TOPMed 0.00002; ExAC 0.00003.
gnomAD v4.1: 23 of 1,614,000 alleles (0.0014%); highest among the groups gnomAD compares: Admixed American, 0.005%; no homozygotes.

Submissions (2):

Ambry Genetics
Classification: Uncertain significance for Inborn genetic diseases. Last evaluated: 2023-03-01. Review status: criteria provided, single submitter. Criteria: Ambry Variant Classification Scheme 2023. Collection method: clinical testing. Allele origin: germline.

Labcorp Genetics (formerly Invitae), Labcorp
Classification: Uncertain significance. Last evaluated: 2021-08-31. Review status: criteria provided, single submitter. Criteria: Invitae Variant Classification Sherloc (09022015). Collection method: clinical testing. Allele origin: germline.
Comment: This sequence change replaces alanine with valine at codon 433 of the OCA2 protein (p.Ala433Val). The alanine residue is highly conserved and there is a small physicochemical difference between alanine and valine. This variant is present in population databases (rs780239785, ExAC 0.009%). This variant has not been reported in the literature in individuals affected with OCA2-related conditions. Algorithms developed to predict the effect of missense changes on protein structure and function output the following: SIFT: "Tolerated"; PolyPhen-2: "Benign"; Align-GVGD: "Class C0". The valine amino acid residue is found in multiple mammalian species, which suggests that this missense change does not adversely affect protein function. In summary, the available evidence is currently insufficient to determine the role of this variant in disease. Therefore, it has been classified as a Variant of Uncertain Significance.